The following is an entry in ClinVar:

ClinVar aggregate classification (germline): Uncertain significance (1 of 4 stars; one submission).

Submission:

GeneDx
Classification: Uncertain significance. Last evaluated: 2019-05-30. Review status: criteria provided, single submitter. Criteria: GeneDx Variant Classification Process June 2021. Collection method: clinical testing. Allele origin: germline. Affected: yes.
Comment: Not observed in large population cohorts (Lek et al., 2016); In silico analysis, which includes protein predictors and evolutionary conservation, supports a deleterious effect; Has not been previously published as pathogenic or benign to our knowledge

NM_001365536.1(SCN9A):c.3632T>C (p.Phe1211Ser)

Genes: SCN1A-AS1 (SCN1A and SCN9A antisense RNA 1; plus strand), SCN9A (sodium voltage-gated channel alpha subunit 9; minus strand). Cytogenetic location: 2q24.3.
Variant type: single nucleotide variant.
Coding change: c.3632T>C on transcript NM_001365536.1 (MANE Select); coding-DNA position 3632, T replaced by C.
Protein change: p.Phe1211Ser; replaces phenylalanine 1211 with serine.
Molecular consequence: missense variant.
Genome position (GRCh38, 1-based): chr2:166,238,263, A>G on the plus strand (T>C on the coding strand, the complement: SCN9A is on the minus strand). VCF-style: chr2-166238263-A-G. GRCh37 (hg19) VCF-style: chr2-167094773-A-G.
Other names: c.3599T>C, p.Phe1200Ser (NM_002977.4); short protein forms F1200S, F1211S.
Identifiers: ClinVar variation 1306258 (VCV001306258.2), dbSNP rs2106403732, ClinGen allele CA349069026.